The following is an entry in ClinVar:

NM_000214.3(JAG1):c.2473C>T (p.Gln825Ter)

Gene: JAG1 (jagged canonical Notch ligand 1; minus strand). Cytogenetic location: 20p12.2.
Variant type: single nucleotide variant.
Coding change: c.2473C>T on transcript NM_000214.3 (MANE Select); coding-DNA position 2473, C replaced by T.
Protein change: p.Gln825Ter; replaces glutamine 825 with a stop codon.
Molecular consequence: nonsense.
Genome position (GRCh38, 1-based): chr20:10,642,587, G>A on the plus strand (C>T on the coding strand, the complement: JAG1 is on the minus strand). VCF-style: chr20-10642587-G-A. GRCh37 (hg19) VCF-style: chr20-10623235-G-A.
Other names: c.2473C>T, p.Gln825Ter (LRG_1191t1); short protein forms Q825*.
Identifiers: ClinVar variation 536533 (VCV000536533.11), dbSNP rs1437309558, ClinGen allele CA408245678.

ClinVar aggregate classification (germline): Pathogenic/Likely pathogenic. Review status: criteria provided, multiple submitters, no conflicts (2 of 4 stars). 4 submissions from 4 submitters: Pathogenic (3); Likely pathogenic (1). Last evaluated 2026-04-16.

Conditions:
JAG1-related disorder. Also called: JAG1-related condition; JAG1-related disorders.
Alagille syndrome due to a JAG1 point mutation. Also called: Alagille Syndrome 1; JAG1-Related Alagille Syndrome; HEPATIC DUCTULAR HYPOPLASIA, SYNDROMATIC. Identifiers: Orphanet 261619, Orphanet 52, MedGen C1956125, MONDO:0016862, OMIM 118450.

Allele frequency attached by ClinVar (database versions not stated): gnomAD exomes below 0.00001.

Submissions (4):

GeneDx
Classification: Pathogenic. Last evaluated: 2026-04-16. Review status: criteria provided, single submitter. Criteria: GeneDx Variant Classification Process June 2021. Collection method: clinical testing. Allele origin: germline.
Comment: Nonsense variant predicted to result in protein truncation or nonsense mediated decay in a gene for which loss of function is a known mechanism of disease; Not observed at significant frequency in large population cohorts (gnomAD); This variant is associated with the following publications: (PMID: 25525159, 30074189, 26076142, 9585603, 34185059)

Victorian Clinical Genetics Services, Murdoch Childrens Research Institute
Classification: Pathogenic for Alagille syndrome due to a JAG1 point mutation. Last evaluated: 2026-02-23. Review status: criteria provided, single submitter. Criteria: ACMG Guidelines, 2015. Collection method: clinical testing. Allele origin: germline. Affected: yes.
Comment: This variant is classified as Pathogenic. Evidence in support of pathogenic classification: Variant is predicted to cause nonsense-mediated decay (NMD) and loss of protein (premature termination codon is located at least 54 nucleotides upstream of the final exon-exon junction); Variant is present in gnomAD <0.001 for a dominant condition (v2: 1 heterozygote(s), 0 homozygote(s)); This variant has strong previous evidence of pathogenicity in unrelated individuals. This variant has been classified as pathogenic by a clinical laboratory in ClinVar and reported multiple times in the literature in individuals with Alagille syndrome (PMIDs: 26076142, 9585603, 34185059, 30074189); Other NMD predicted variants comparable to the one identified in this case have very strong previous evidence for pathogenicity (ClinVar). Additional information: This variant is heterozygous; This gene is associated with autosomal dominant disease; Loss of function is a known mechanism of disease in this gene and is associated with Alagille syndrome 1 (MIM#118450), and tetralogy of fallot (MIM#187500). The mechanism for Charcot-Marie-Tooth disease, axonal, type 2HH (MIM#619574) is not clearly established; however, loss of function is suggested (PMID: 32065591); Variants in this gene are known to have variable expressivity. Inter- and intra-familial variability has been reported (PMID: 20301450); Inheritance information for this variant is not currently available in this individual.

Blueprint Genetics
Classification: Likely pathogenic for JAG1-related disorders. Last evaluated: 2021-06-03. Review status: criteria provided, single submitter. Criteria: ACMG Guidelines, 2015. Collection method: clinical testing. Allele origin: germline. Affected: yes. Observed: 1 variant allele.

Labcorp Genetics (formerly Invitae), Labcorp
Classification: Pathogenic for Alagille syndrome due to a JAG1 point mutation. Last evaluated: 2017-09-04. Review status: criteria provided, single submitter. Criteria: Invitae Variant Classification Sherloc (09022015). Collection method: clinical testing. Allele origin: germline.
Comment: This sequence change creates a premature translational stop signal (p.Gln825*) in the JAG1 gene. It is expected to result in an absent or disrupted protein product. This variant is not present in population databases (ExAC no frequency). This variant has been reported in individuals affected with Alagille syndrome (PMID: 9585603, 26076142). Loss-of-function variants in JAG1 are known to be pathogenic (PMID: 11180599). For these reasons, this variant has been classified as Pathogenic.

Literature cited by the submitters: PubMed 20301450 (cited by Victorian Clinical Genetics Services, Murdoch Childrens Research Institute); PubMed 34185059 (cited by Victorian Clinical Genetics Services, Murdoch Childrens Research Institute); PubMed 9585603 (cited by Victorian Clinical Genetics Services, Murdoch Childrens Research Institute and Labcorp Genetics (formerly Invitae), Labcorp); PubMed 26076142 (cited by Victorian Clinical Genetics Services, Murdoch Childrens Research Institute and Labcorp Genetics (formerly Invitae), Labcorp); PubMed 32065591 (cited by Victorian Clinical Genetics Services, Murdoch Childrens Research Institute); PubMed 30074189 (cited by Victorian Clinical Genetics Services, Murdoch Childrens Research Institute); PubMed 11180599 (cited by Labcorp Genetics (formerly Invitae), Labcorp).